The following is an entry in ClinVar:

ClinVar aggregate classification (germline): Uncertain significance (1 of 4 stars; one submission).

Conditions:
Primary ciliary dyskinesia 6. Also called: Primary Ciliary Dyskinesia 6: TXNDC3-Related Primary Ciliary Dyskinesia. Identifiers: Orphanet 244, MedGen C1970506, MONDO:0012571, OMIM 610852.

Allele frequency attached by ClinVar (database versions not stated): gnomAD exomes below 0.00001.
gnomAD v4.1: 1 of 1,613,610 alleles (0.000062%); highest among the groups gnomAD compares: South Asian, 0.0011%; no homozygotes.

Submission:

Labcorp Genetics (formerly Invitae), Labcorp
Classification: Uncertain significance for Primary ciliary dyskinesia 6. Last evaluated: 2022-11-14. Review status: criteria provided, single submitter. Criteria: Invitae Variant Classification Sherloc (09022015). Collection method: clinical testing. Allele origin: germline.
Comment: In summary, the available evidence is currently insufficient to determine the role of this variant in disease. Therefore, it has been classified as a Variant of Uncertain Significance. Advanced modeling of protein sequence and biophysical properties (such as structural, functional, and spatial information, amino acid conservation, physicochemical variation, residue mobility, and thermodynamic stability) performed at Invitae indicates that this missense variant is expected to disrupt NME8 protein function. This variant has not been reported in the literature in individuals affected with NME8-related conditions. This variant is not present in population databases (gnomAD no frequency). This sequence change replaces alanine, which is neutral and non-polar, with threonine, which is neutral and polar, at codon 101 of the NME8 protein (p.Ala101Thr).

NM_016616.5(NME8):c.301G>A (p.Ala101Thr)

Gene: NME8 (NME/NM23 family member 8; plus strand). Cytogenetic location: 7p14.1.
Variant type: single nucleotide variant.
Coding change: c.301G>A on transcript NM_016616.5 (MANE Select); coding-DNA position 301, G replaced by A.
Protein change: p.Ala101Thr; replaces alanine 101 with threonine.
Molecular consequence: missense variant.
Genome position (GRCh38, 1-based): chr7:37,862,058, G>A. VCF-style: chr7-37862058-G-A. GRCh37 (hg19) VCF-style: chr7-37901660-G-A.
Other names: short protein forms A101T.
Identifiers: ClinVar variation 2117264 (VCV002117264.4), dbSNP rs2483621384, ClinGen allele CA367221119.
Genomic context (GRCh38, chr7:37,862,058, plus strand): 5'-GTTCCCCTCCTGTTTTCATTTCCCTTATAGAATGGCAAAATTATCGAAAAGATTCAGGGT[G>A]CAAATGCACCGCTTGTTAATAAAAAAGTTATTAATTTGATCGATGAGGAGAGAAAAATTG-3'
Protein context (NP_057700.3, residues 91-111): NGKIIEKIQG[Ala101Thr]NAPLVNKKVI